The following is an entry in ClinVar:

NM_000059.4(BRCA2):c.1224G>A (p.Met408Ile)

Gene: BRCA2 (BRCA2 DNA repair associated; plus strand). Cytogenetic location: 13q13.1.
Variant type: single nucleotide variant.
Coding change: c.1224G>A on transcript NM_000059.4 (MANE Select); coding-DNA position 1224, G replaced by A.
Protein change: p.Met408Ile; replaces methionine 408 with isoleucine.
Molecular consequence: missense variant.
Genome position (GRCh38, 1-based): chr13:32,332,702, G>A. VCF-style: chr13-32332702-G-A. GRCh37 (hg19) VCF-style: chr13-32906839-G-A.
Other names: short protein forms M408I.
Identifiers: ClinVar variation 882430 (VCV000882430.6), dbSNP rs1593892275, ClinGen allele CA387762147.

ClinVar aggregate classification (germline): Conflicting classifications of pathogenicity. Review status: criteria provided, conflicting classifications (1 of 4 stars). 4 submissions from 3 submitters: Uncertain significance (2); Likely benign (2). Last evaluated 2024-03-18.

Conditions:
Breast-ovarian cancer, familial, susceptibility to, 2 (BROVCA2). Also called: BRCA2 Hereditary Breast and Ovarian Cancer. Identifiers: Orphanet 145, MedGen C2675520, MONDO:0012933, OMIM 612555. Disease mechanism: loss of function.
Hereditary cancer-predisposing syndrome. Also called: Tumor predisposition; Neoplastic Syndromes, Hereditary; Hereditary neoplastic syndrome; Hereditary Cancer Syndrome. Identifiers: Orphanet 140162, MedGen C0027672, MeSH D009386, MONDO:0015356.
Fanconi anemia complementation group D1. Also called: BRCA2-Related Fanconi Anemia. Identifiers: Orphanet 319462, MedGen C1838457, MONDO:0011584, OMIM 605724.

Submissions (4):

Ambry Genetics
Classification: Likely benign for Hereditary cancer-predisposing syndrome. Last evaluated: 2024-03-18. Review status: criteria provided, single submitter. Criteria: Ambry Variant Classification Scheme 2023. Collection method: clinical testing. Allele origin: germline.

University of Washington Department of Laboratory Medicine, University of Washington
Classification: Likely benign for Hereditary cancer-predisposing syndrome. Last evaluated: 2023-03-23. Review status: criteria provided, single submitter. Criteria: Dines et al. (Genet Med. 2020). Collection method: curation. Allele origin: germline.
Comment: Missense variant in a coldspot region where missense variants are very unlikely to be pathogenic (PMID:31911673).

BRCA2 exon 10 coldspot. Reclassification based on statistical prior probability.

Illumina Laboratory Services, Illumina
Classification: Uncertain significance for Fanconi anemia complementation group D1. Last evaluated: 2017-04-27. Review status: criteria provided, single submitter. Criteria: ICSL Variant Classification Criteria 13 December 2019. Collection method: clinical testing. Allele origin: germline.

Illumina Laboratory Services, Illumina
Classification: Uncertain significance for Breast-ovarian cancer, familial, susceptibility to, 2. Last evaluated: 2017-04-27. Review status: criteria provided, single submitter. Criteria: ICSL Variant Classification Criteria 13 December 2019. Collection method: clinical testing. Allele origin: germline.